The following is an entry in ClinVar:

ClinVar aggregate classification (germline): Uncertain significance. Review status: criteria provided, single submitter (1 of 4 stars). 2 submissions from 2 submitters: Uncertain significance (1). 1 of the submissions does not count toward it. Last evaluated 2025-05-12.

Conditions:
Activated PI3K-delta syndrome. Identifiers: Orphanet 397596, MedGen C3714976, MONDO:0018338.
Immunodeficiency 14 (IMD14A). Also called: ACTIVATED PI3K-DELTA SYNDROME 1; IMMUNODEFICIENCY 14A WITH LYMPHOPROLIFERATION, AUTOSOMAL DOMINANT; Activated PI3K Delta Syndrome Type 1 (APDS1); p110-DELTA-ACTIVATING MUTATION CAUSING SENESCENT T CELLS, LYMPHADENOPATHY, AND IMMUNODEFICIENCY. Identifiers: Orphanet 397596, Orphanet 693661, MedGen C5907821, MONDO:0014222, OMIM 615513.

Submissions (2):

Labcorp Genetics (formerly Invitae), Labcorp
Classification: Uncertain significance for Activated PI3K-delta syndrome. Last evaluated: 2025-05-12. Review status: criteria provided, single submitter. Criteria: Invitae Variant Classification Sherloc (09022015). Collection method: clinical testing. Allele origin: germline.
Comment: This sequence change replaces alanine, which is neutral and non-polar, with threonine, which is neutral and polar, at codon 835 of the PIK3CD protein (p.Ala835Thr). This variant is not present in population databases (gnomAD no frequency). This variant has not been reported in the literature in individuals affected with PIK3CD-related conditions. ClinVar contains an entry for this variant (Variation ID: 1035901). Invitae Evidence Modeling of protein sequence and biophysical properties (such as structural, functional, and spatial information, amino acid conservation, physicochemical variation, residue mobility, and thermodynamic stability) indicates that this missense variant is expected to disrupt PIK3CD protein function with a positive predictive value of 80%. In summary, the available evidence is currently insufficient to determine the role of this variant in disease. Therefore, it has been classified as a Variant of Uncertain Significance.

Rarefied Biosciences Lab
Classification: Likely benign for Activated PI3K-delta syndrome. Review status: no assertion criteria provided. Collection method: research. Allele origin: germline. Affected: yes. Not counted in ClinVar's aggregate classification.
Comment: The PIK3CD c.2503G>A (p.Ala835Thr) variant is an ultra-rare missense change predicted to be benign by in silico analysis. Immune profiling showed elevated transitional B cells, but TFH counts were normal and no abnormal mTOR activation was detected, which argues against APDS-like PI3Kδ activation. Given the benign computational predictions, lack of functional evidence for pathogenicity, and context of confounding lymphoma, this variant is best classified as Likely Benign.

Literature cited by the submitters: PubMed 31031754 (cited by Rarefied Biosciences Lab).

NM_005026.5(PIK3CD):c.2503G>A (p.Ala835Thr)

Gene: PIK3CD (phosphatidylinositol-4,5-bisphosphate 3-kinase catalytic subunit delta; plus strand). Cytogenetic location: 1p36.22.
Variant type: single nucleotide variant.
Coding change: c.2503G>A on transcript NM_005026.5 (MANE Select); coding-DNA position 2503, G replaced by A.
Protein change: p.Ala835Thr; replaces alanine 835 with threonine.
Molecular consequence: missense variant.
Genome position (GRCh38, 1-based): chr1:9,723,201, G>A. VCF-style: chr1-9723201-G-A. GRCh37 (hg19) VCF-style: chr1-9783259-G-A.
Other names: c.2500G>A, p.Ala834Thr (NM_001350234.2); c.2416G>A, p.Ala806Thr (NM_001350235.1); short protein forms A834T, A835T, A806T.
Identifiers: ClinVar variation 1035901 (VCV001035901.10), dbSNP rs1648966090, ClinGen allele CA338306239.